The following is an entry in ClinVar:

ClinVar aggregate classification (germline): Uncertain significance. Review status: criteria provided, multiple submitters, no conflicts (2 of 4 stars). 6 submissions from 6 submitters: Uncertain significance (6). Last evaluated 2026-06-23.

Conditions:
MKS1-related disorder. Also called: MKS1-related condition; MKS1-related disorders. Identifiers: MedGen CN239382.
Meckel syndrome, type 1 (MKS1). Also called: MECKEL-GRUBER SYNDROME, TYPE 1. Identifiers: Orphanet 564, MedGen C3714506, MONDO:0009571, OMIM 249000.
Joubert syndrome 28 (JBTS28). Identifiers: MedGen C4310705, MONDO:0014928, OMIM 617121.
Bardet-Biedl syndrome 13 (BBS13). Identifiers: Orphanet 110, MedGen C2673873, MONDO:0014441, OMIM 615990.
Inborn genetic diseases. Identifiers: MedGen C0950123, MeSH D030342.
Joubert syndrome. Also called: Familial aplasia of the vermis; JOUBERT-BOLTSHAUSER SYNDROME. Identifiers: Orphanet 475, MedGen C5979921, MONDO:0018772.
Meckel-Gruber syndrome. Also called: DYSENCEPHALIA SPLANCHNOCYSTICA; GRUBER SYNDROME; Dysencephalia splachnocystica. Identifiers: Orphanet 564, MedGen C0265215, MONDO:0018921.

Allele frequency attached by ClinVar (database versions not stated): ExAC 0.00003; TOPMed 0.00003; gnomAD 0.00002; gnomAD exomes 0.00002.
gnomAD v4.1: 12 of 1,613,686 alleles (0.00074%); highest among the groups gnomAD compares: African/African-American, 0.0093%; no homozygotes.

Submissions (6):

PreventionGenetics, part of Exact Sciences
Classification: Uncertain significance for MKS1-related condition. Last evaluated: 2026-06-23. Review status: criteria provided, single submitter. Criteria: ACMG Guidelines, 2015. Collection method: clinical testing. Allele origin: germline.
Comment: The MKS1 c.1606C>T variant is predicted to result in the amino acid substitution p.Arg536Trp. To our knowledge, this variant has not been reported in the literature. This variant is reported in 0.012% of alleles in individuals of African descent in gnomAD. At this time, the clinical significance of this variant is uncertain due to the absence of conclusive functional and genetic evidence.

Ambry Genetics
Classification: Uncertain significance for Inborn genetic diseases. Last evaluated: 2025-05-13. Review status: criteria provided, single submitter. Criteria: Ambry Variant Classification Scheme 2023. Collection method: clinical testing. Allele origin: germline.

Revvity Omics, Revvity
Classification: Uncertain significance. Last evaluated: 2023-11-20. Review status: criteria provided, single submitter. Criteria: ACMG Guidelines, 2015. Collection method: clinical testing. Allele origin: germline.

Labcorp Genetics (formerly Invitae), Labcorp
Classification: Uncertain significance for Joubert syndrome; Meckel-Gruber syndrome. Last evaluated: 2022-07-20. Review status: criteria provided, single submitter. Criteria: Invitae Variant Classification Sherloc (09022015). Collection method: clinical testing. Allele origin: germline.
Comment: This sequence change replaces arginine, which is basic and polar, with tryptophan, which is neutral and slightly polar, at codon 536 of the MKS1 protein (p.Arg536Trp). This variant is present in population databases (rs768171144, gnomAD 0.01%). This variant has not been reported in the literature in individuals affected with MKS1-related conditions. ClinVar contains an entry for this variant (Variation ID: 597354). Advanced modeling of protein sequence and biophysical properties (such as structural, functional, and spatial information, amino acid conservation, physicochemical variation, residue mobility, and thermodynamic stability) performed at Invitae indicates that this missense variant is expected to disrupt MKS1 protein function. In summary, the available evidence is currently insufficient to determine the role of this variant in disease. Therefore, it has been classified as a Variant of Uncertain Significance.

Eurofins Ntd Llc (ga)
Classification: Uncertain significance. Last evaluated: 2018-06-07. Review status: criteria provided, single submitter. Criteria: EGL ClinVar v180209 classification definitions. Collection method: clinical testing. Allele origin: germline. Observed: 1 variant allele, 1 heterozygote.

Juno Genomics, Hangzhou Juno Genomics, Inc
Classification: Uncertain significance for Bardet-Biedl syndrome 13; Joubert syndrome 28; Meckel syndrome, type 1. Review status: criteria provided, single submitter. Criteria: ACMG Guidelines, 2015. Collection method: clinical testing. Allele origin: germline.
Comment: Absent from controls (or at extremely low frequency if recessive) in Genome Aggregation Database.;Multiple lines of computational evidence support a deleterious effect on the gene or gene product.

NM_017777.4(MKS1):c.1606C>T (p.Arg536Trp)

Gene: MKS1 (MKS transition zone complex subunit 1; minus strand). Cytogenetic location: 17q22.
Variant type: single nucleotide variant.
Coding change: c.1606C>T on transcript NM_017777.4 (MANE Select); coding-DNA position 1606, C replaced by T.
Protein change: p.Arg536Trp; replaces arginine 536 with tryptophan.
Molecular consequence: missense variant. On other transcripts: 3 prime UTR variant (1).
Genome position (GRCh38, 1-based): chr17:58,206,153, G>A on the plus strand (C>T on the coding strand, the complement: MKS1 is on the minus strand). VCF-style: chr17-58206153-G-A. GRCh37 (hg19) VCF-style: chr17-56283514-G-A.
Other names: c.997C>T, p.Arg333Trp (NM_001321268.2); c.1523C>T, p.Pro508Leu (NM_001321269.2); c.*18C>T (NM_001330397.2); c.1606C>T (NM_017777.3); short protein forms R536W, P508L, R333W.
Identifiers: ClinVar variation 597354 (VCV000597354.12), dbSNP rs768171144, ClinGen allele CA8669061.